The following is an entry in ClinVar:

NM_020975.6(RET):c.3119T>C (p.Leu1040Pro)

Gene: RET (ret proto-oncogene; plus strand). Cytogenetic location: 10q11.21.
Variant type: single nucleotide variant.
Coding change: c.3119T>C on transcript NM_020975.6 (MANE Select); coding-DNA position 3119, T replaced by C.
Protein change: p.Leu1040Pro; replaces leucine 1040 with proline.
Molecular consequence: missense variant.
Genome position (GRCh38, 1-based): chr10:43,126,654, T>C. VCF-style: chr10-43126654-T-C. GRCh37 (hg19) VCF-style: chr10-43622102-T-C.
Other names: c.2357T>C, p.Leu786Pro (NM_001355216.2); c.3119T>C, p.Leu1040Pro (NM_001406743.1, NM_001406744.1, NM_001406759.1 and 2 more transcripts); c.2990T>C, p.Leu997Pro (NM_001406761.1, NM_001406762.1, NM_001406764.1); c.2984T>C, p.Leu995Pro (NM_001406763.1, NM_001406765.1); c.2831T>C, p.Leu944Pro (NM_001406766.1, NM_001406767.1, NM_001406770.1); c.2855T>C, p.Leu952Pro (NM_001406768.1); c.2723T>C, p.Leu908Pro (NM_001406769.1, NM_001406772.1); c.2681T>C, p.Leu894Pro (NM_001406771.1, NM_001406773.1); and 10 more; short protein forms L645P, L798P, L865P, L908P, L997P, L698P, L701P, L786P.
Identifiers: ClinVar variation 3788309 (VCV003788309.1).

ClinVar aggregate classification (germline): Uncertain significance (1 of 4 stars; one submission).

Conditions:
Hereditary cancer-predisposing syndrome. Also called: Neoplastic Syndromes, Hereditary; Hereditary Cancer Syndrome; Tumor predisposition; Hereditary neoplastic syndrome. Identifiers: Orphanet 140162, MedGen C0027672, MeSH D009386, MONDO:0015356.

Submission:

Ambry Genetics
Classification: Uncertain significance for Hereditary cancer-predisposing syndrome. Last evaluated: 2024-12-20. Review status: criteria provided, single submitter. Criteria: Ambry Variant Classification Scheme 2023. Collection method: clinical testing. Allele origin: germline.
Comment: The p.L1040P variant (also known as c.3119T>C), located in coding exon 19 of the RET gene, results from a T to C substitution at nucleotide position 3119. The leucine at codon 1040 is replaced by proline, an amino acid with similar properties. This amino acid position is conserved. In addition, this alteration is predicted to be deleterious by in silico analysis. Based on the available evidence, the clinical significance of this variant remains unclear.